The following is an entry in ClinVar:

NM_015443.4(KANSL1):c.902T>A (p.Leu301Ter)

Gene: KANSL1 (KAT8 regulatory NSL complex subunit 1). Cytogenetic location: 17q21.31.
Variant type: single nucleotide variant.
Coding change: c.902T>A on transcript NM_015443.4 (MANE Select); coding-DNA position 902, T replaced by A.
Protein change: p.Leu301Ter; replaces leucine 301 with a stop codon.
Molecular consequence: nonsense.
Genome position (GRCh38, 1-based): chr17:46,171,242, A>T on the plus strand (T>A on the coding strand, the complement: KANSL1 is on the minus strand). VCF-style: chr17-46171242-A-T. GRCh37 (hg19) VCF-style: chr17-44248608-A-T.
Other names: c.902T>A, p.Leu301Ter (NM_001193465.2, NM_001193466.2, NM_001379198.1); short protein forms L301*.
Identifiers: ClinVar variation 1014855 (VCV001014855.11), dbSNP rs1189248208, ClinGen allele CA399980280.

ClinVar aggregate classification (germline): Conflicting classifications of pathogenicity. Review status: criteria provided, conflicting classifications (1 of 4 stars). 3 submissions from 3 submitters: Pathogenic (1); Uncertain significance (2). Last evaluated 2026-09-02.

Conditions:
Koolen-de Vries syndrome (KDVS). Identifiers: Orphanet 96169, MedGen C1864871, MONDO:0012496, OMIM 610443.
Inborn genetic diseases. Identifiers: MedGen C0950123, MeSH D030342.

gnomAD v4.1: 3 of 1,614,110 alleles (0.00019%); highest among the groups gnomAD compares: Non-Finnish European, 0.00025%; no homozygotes.

Submissions (3):

Ambry Genetics
Classification: Uncertain significance for Inborn genetic diseases. Last evaluated: 2026-09-02. Review status: criteria provided, single submitter. Criteria: Ambry Variant Classification Scheme 2023. Collection method: clinical testing. Allele origin: germline.
Comment: The c.902T>A (p.L301*) alteration, located in exon 2 (coding exon 1) of the KANSL1 gene, consists of a T to A substitution at nucleotide position 902. This changes the amino acid from a leucine (L) to a stop codon at amino acid position 301. Premature stop codons are typically deleterious in nature. However, this KANSL1 variant is located in a genomically complex region; therefore, it is recommended to confirm that it has occurred de novo prior to classifying it as such (Koolen, 2016). Based on data from gnomAD, the A allele has an overall frequency of <0.001% (1/251446) total alleles studied. The highest observed frequency was 0.001% (1/113742) of European (non-Finnish) alleles. Based on insufficient or conflicting evidence, the clinical significance of this alteration remains unclear.

GeneDx
Classification: Pathogenic. Last evaluated: 2025-10-08. Review status: criteria provided, single submitter. Criteria: GeneDx Variant Classification Process June 2021. Collection method: clinical testing. Allele origin: germline. Affected: yes.
Comment: Nonsense variant predicted to result in protein truncation or nonsense mediated decay in a gene for which loss of function is a known mechanism of disease; Has not been previously published as pathogenic or benign to our knowledge; Note that inversion polymorphisms exist at 17q21.31 which contain partial duplications of the KANSL1 gene and produce novel KANSL1 transcripts (PMID: 22751096). It is unknown if this variant is present in the primary transcript of the KANSL1 gene or an alternate transcript from the duplicated haplotype.; This variant is associated with the following publications: (PMID: 22751096)

Labcorp Genetics (formerly Invitae), Labcorp
Classification: Uncertain significance for Koolen-de Vries syndrome. Last evaluated: 2021-08-27. Review status: criteria provided, single submitter. Criteria: Invitae Variant Classification Sherloc (09022015). Collection method: clinical testing. Allele origin: germline.
Comment: Due to the possible presence of a polymorphic segmental duplication, the location of the variant could not be unambiguously resolved. Variants with ambiguous mapping are still reported relative to the KANSL1 transcript. This sequence change creates a premature translational stop signal (p.Leu301*) in the KANSL1 gene. It is expected to result in an absent or disrupted protein product. Loss-of-function variants in KANSL1 are known to be pathogenic (PMID: 22544363, 22544367). The frequency data for this variant in the population databases (ExAC) is considered unreliable due to the presence of homologous sequence, such as pseudogenes or paralogs, in the genome. This variant has not been reported in the literature in individuals with KANSL1-related conditions. If this variant occurs in KANSL1, it is expected to be pathogenic. However, due to the uncertainty of the location of this sequence change, it has been classified as a Variant of Uncertain Significance.

Literature cited by the submitters: PubMed 26306646 (cited by Ambry Genetics); PubMed 22544363 (cited by Labcorp Genetics (formerly Invitae), Labcorp); PubMed 22544367 (cited by Labcorp Genetics (formerly Invitae), Labcorp).